The following is an entry in ClinVar:

NM_001165963.4(SCN1A):c.4946_4947delinsAA (p.Leu1649Gln)

Genes: SCN1A (sodium voltage-gated channel alpha subunit 1; minus strand), LOC102724058 (uncharacterized LOC102724058; plus strand). Cytogenetic location: 2q24.3.
Variant type: Indel.
Coding change: c.4946_4947delinsAA on transcript NM_001165963.4 (MANE Select); coding-DNA positions 4946 to 4947, TG replaced by AA.
Protein change: p.Leu1649Gln; replaces leucine 1649 with glutamine.
Molecular consequence: missense variant. On other transcripts: non-coding transcript variant (1).
Genome position (GRCh38, 1-based): chr2:165,992,328-165,992,329, CA replaced by TT on the plus strand (TG replaced by AA on the coding strand, the reverse complement: SCN1A is on the minus strand). VCF-style: chr2-165992328-CA-TT. GRCh37 (hg19) VCF-style: chr2-166848838-CA-TT.
Other names: c.4862_4863delinsAA, p.Leu1621Gln (NM_001165964.3, NM_001353957.2, NM_001353958.2); c.4946_4947delinsAA, p.Leu1649Gln (NM_001202435.3, NM_001353948.2); c.4913_4914delinsAA, p.Leu1638Gln (NM_001353949.2, NM_001353950.2, NM_001353951.2 and 2 more transcripts); c.4910_4911delinsAA, p.Leu1637Gln (NM_001353954.2, NM_001353955.2); c.4859_4860delinsAA, p.Leu1620Gln (NM_001353960.2); c.2504_2505delinsAA, p.Leu835Gln (NM_001353961.2); c.4946_4947delTGinsAA (NM_001165963.4); short protein forms L1620Q, L1621Q, L1637Q, L1638Q, L1649Q, L835Q.
Identifiers: ClinVar variation 3067155 (VCV003067155.2), dbSNP rs2468340255, ClinGen allele CA2825001000.

Conditions:
Severe myoclonic epilepsy in infancy (DRVT). Also called: Epileptic encephalopathy, early infantile, 6 (Dravet syndrome); Dravet syndrome; SEVERE MYOCLONIC EPILEPSY OF INFANCY; DEVELOPMENTAL AND EPILEPTIC ENCEPHALOPATHY 6A; Severe Myoclonic Epilepsy in Infancy (SMEI). Identifiers: Orphanet 33069, MedGen C0751122, MONDO:0100135, OMIM 607208.

Submission:

Channelopathy-Associated Epilepsy Research Center
No classification provided (evidence only). Condition: Severe myoclonic epilepsy in infancy. Review status: no classification provided. Collection method: literature only. Allele origin: not applicable. Functional consequence: Absence of peak current.
ClinVar note: "not provided" was previously submitted as the classification for the variant. However, the classification appeared to be based only on an observation of functional data so it was converted to no classification on 2025-07-30.

Literature cited by the submitters: PubMed 18621678.